The following is an entry in ClinVar:

NM_006265.3(RAD21):c.1532A>G (p.Asn511Ser)

Gene: RAD21 (RAD21 cohesin complex component; minus strand). Cytogenetic location: 8q24.11.
Variant type: single nucleotide variant.
Coding change: c.1532A>G on transcript NM_006265.3 (MANE Select); coding-DNA position 1532, A replaced by G.
Protein change: p.Asn511Ser; replaces asparagine 511 with serine.
Molecular consequence: missense variant.
Genome position (GRCh38, 1-based): chr8:116,850,706, T>C on the plus strand (A>G on the coding strand, the complement: RAD21 is on the minus strand). VCF-style: chr8-116850706-T-C. GRCh37 (hg19) VCF-style: chr8-117862945-T-C.
Other names: short protein forms N511S.
Identifiers: ClinVar variation 588997 (VCV000588997.9), dbSNP rs1202371552, ClinGen allele CA371996529.

ClinVar aggregate classification (germline): Conflicting classifications of pathogenicity. Review status: criteria provided, conflicting classifications (1 of 4 stars). 3 submissions from 3 submitters: Uncertain significance (1); Likely benign (2). Last evaluated 2025-12-13.

Conditions:
Cornelia de Lange syndrome 4 (CDLS4). Also called: RAD21-Related Cornelia de Lange Syndrome; CORNELIA DE LANGE SYNDROME 4 WITH OR WITHOUT MIDLINE BRAIN DEFECTS. Identifiers: Orphanet 199, MedGen C3553517, MONDO:0013864, OMIM 614701.
Inborn genetic diseases. Identifiers: MedGen C0950123, MeSH D030342.

Allele frequency attached by ClinVar (database versions not stated): gnomAD exomes 0.00001.
gnomAD v4.1: 13 of 1,613,674 alleles (0.00081%); highest among the groups gnomAD compares: African/African-American, 0.008%; no homozygotes.

Submissions (3):

Labcorp Genetics (formerly Invitae), Labcorp
Classification: Uncertain significance for Cornelia de Lange syndrome 4. Last evaluated: 2025-12-13. Review status: criteria provided, single submitter. Criteria: Invitae Variant Classification Sherloc (09022015). Collection method: clinical testing. Allele origin: germline.
Comment: This sequence change replaces asparagine, which is neutral and polar, with serine, which is neutral and polar, at codon 511 of the RAD21 protein (p.Asn511Ser). This variant is present in population databases (no rsID available, gnomAD no frequency). This variant has not been reported in the literature in individuals affected with RAD21-related conditions. ClinVar contains an entry for this variant (Variation ID: 588997). Invitae Evidence Modeling of protein sequence and biophysical properties (such as structural, functional, and spatial information, amino acid conservation, physicochemical variation, residue mobility, and thermodynamic stability) indicates that this missense variant is not expected to disrupt RAD21 protein function with a negative predictive value of 95%. In summary, the available evidence is currently insufficient to determine the role of this variant in disease. Therefore, it has been classified as a Variant of Uncertain Significance.

Blueprint Genetics
Classification: Likely benign. Last evaluated: 2024-09-13. Review status: criteria provided, single submitter. Criteria: ACMG Guidelines, 2015. Collection method: clinical testing. Allele origin: germline.

Ambry Genetics
Classification: Likely benign for Inborn genetic diseases. Last evaluated: 2020-03-18. Review status: criteria provided, single submitter. Criteria: Ambry Variant Classification Scheme 2023. Collection method: clinical testing. Allele origin: germline.